The following is an entry in ClinVar:

ClinVar aggregate classification (germline): Uncertain significance (1 of 4 stars; one submission).

gnomAD v4.1: 27 of 1,508,938 alleles (0.0018%); highest among the groups gnomAD compares: Non-Finnish European, 0.0024%; no homozygotes.

Submission:

Labcorp Genetics (formerly Invitae), Labcorp
Classification: Uncertain significance. Last evaluated: 2025-02-02. Review status: criteria provided, single submitter. Criteria: Invitae Variant Classification Sherloc (09022015). Collection method: clinical testing. Allele origin: germline.
Comment: This sequence change replaces serine, which is neutral and polar, with isoleucine, which is neutral and non-polar, at codon 436 of the SUCLG2 protein (p.Ser436Ile). This variant is present in population databases (no rsID available, gnomAD 0.002%). This variant has not been reported in the literature in individuals affected with SUCLG2-related conditions. An algorithm developed to predict the effect of missense changes on protein structure and function (PolyPhen-2) suggests that this variant is likely to be tolerated. In summary, the available evidence is currently insufficient to determine the role of this variant in disease. Therefore, it has been classified as a Variant of Uncertain Significance.

NC_000003.12:g.67360645C>A

Gene: SUCLG2 (succinate-CoA ligase GDP-forming subunit beta; minus strand). Cytogenetic location: 3p14.1.
Variant type: single nucleotide variant.
Molecular consequence: missense variant (on NM_001177599.2).
Genome position: GRCh38 VCF-style: chr3-67360645-C-A. GRCh37 (hg19) VCF-style: chr3-67411069-C-A.
Other names: c.1307G>T, p.Ser436Ile (NM_001177599.2); short protein forms S436I.
Identifiers: ClinVar variation 3627486 (VCV003627486.2).